The following is an entry in ClinVar:

ClinVar aggregate classification (germline): Uncertain significance. Review status: criteria provided, multiple submitters, no conflicts (2 of 4 stars). 3 submissions from 3 submitters: Uncertain significance (3). Last evaluated 2025-04-17.

Conditions:
Hereditary cancer-predisposing syndrome. Also called: Tumor predisposition; Neoplastic Syndromes, Hereditary; Hereditary Cancer Syndrome; Hereditary neoplastic syndrome. Identifiers: Orphanet 140162, MedGen C0027672, MeSH D009386, MONDO:0015356.
Neuroblastoma, susceptibility to, 3. Also called: ALK-Related Neuroblastic Tumor Susceptibility. Identifiers: Orphanet 635, MedGen C2751681, MONDO:0013083, OMIM 613014.

Allele frequency attached by ClinVar (database versions not stated): gnomAD exomes below 0.00001; TOPMed 0.00001.
gnomAD v4.1: 2 of 1,614,234 alleles (0.00012%); highest among the groups gnomAD compares: Non-Finnish European, 0.00017%; no homozygotes.

Submissions (3):

Labcorp Genetics (formerly Invitae), Labcorp
Classification: Uncertain significance for Neuroblastoma, susceptibility to, 3. Last evaluated: 2025-04-17. Review status: criteria provided, single submitter. Criteria: Invitae Variant Classification Sherloc (09022015). Collection method: clinical testing. Allele origin: germline.
Comment: This sequence change replaces glutamic acid, which is acidic and polar, with lysine, which is basic and polar, at codon 797 of the ALK protein (p.Glu797Lys). This variant is not present in population databases (gnomAD no frequency). This variant has not been reported in the literature in individuals affected with ALK-related conditions. ClinVar contains an entry for this variant (Variation ID: 2675898). An algorithm developed to predict the effect of missense changes on protein structure and function (PolyPhen-2) suggests that this variant is likely to be disruptive. In summary, the available evidence is currently insufficient to determine the role of this variant in disease. Therefore, it has been classified as a Variant of Uncertain Significance.

Ambry Genetics
Classification: Uncertain significance for Hereditary cancer-predisposing syndrome. Last evaluated: 2024-12-12. Review status: criteria provided, single submitter. Criteria: Ambry Variant Classification Scheme 2023. Collection method: clinical testing. Allele origin: germline.
Comment: The p.E797K variant (also known as c.2389G>A), located in coding exon 14 of the ALK gene, results from a G to A substitution at nucleotide position 2389. The glutamic acid at codon 797 is replaced by lysine, an amino acid with similar properties. This amino acid position is conserved. In addition, the in silico prediction for this alteration is inconclusive. Based on the available evidence, the clinical significance of this variant remains unclear.

Baylor Genetics
Classification: Uncertain significance for Neuroblastoma, susceptibility to, 3. Last evaluated: 2023-09-11. Review status: criteria provided, single submitter. Criteria: ACMG Guidelines, 2015. Collection method: clinical testing. Allele origin: unknown.

NM_004304.5(ALK):c.2389G>A (p.Glu797Lys)

Gene: ALK (ALK receptor tyrosine kinase; minus strand). Cytogenetic location: 2p23.2.
Variant type: single nucleotide variant.
Coding change: c.2389G>A on transcript NM_004304.5 (MANE Select); coding-DNA position 2389, G replaced by A.
Protein change: p.Glu797Lys; replaces glutamic acid 797 with lysine.
Molecular consequence: missense variant.
Genome position (GRCh38, 1-based): chr2:29,233,663, C>T on the plus strand (G>A on the coding strand, the complement: ALK is on the minus strand). VCF-style: chr2-29233663-C-T. GRCh37 (hg19) VCF-style: chr2-29456529-C-T.
Other names: c.2389G>A (NM_004304.4); short protein forms E797K.
Identifiers: ClinVar variation 2675898 (VCV002675898.3), dbSNP rs1342747593, ClinGen allele CA346472453.